The following is an entry in ClinVar:

ClinVar aggregate classification (germline): Pathogenic (1 of 4 stars; one submission).

Submission:

Labcorp Genetics (formerly Invitae), Labcorp
Classification: Pathogenic. Last evaluated: 2024-09-04. Review status: criteria provided, single submitter. Criteria: Invitae Variant Classification Sherloc (09022015). Collection method: clinical testing. Allele origin: germline.
Comment: This sequence change creates a premature translational stop signal (p.Gln199*) in the HPS6 gene. While this is not anticipated to result in nonsense mediated decay, it is expected to disrupt the last 577 amino acid(s) of the HPS6 protein. This variant is not present in population databases (gnomAD no frequency). This variant has not been reported in the literature in individuals affected with HPS6-related conditions. This variant disrupts a region of the HPS6 protein in which other variant(s) (p.Gln680*) have been determined to be pathogenic (PMID: 27225848, 29054114, 31141302). This suggests that this is a clinically significant region of the protein, and that variants that disrupt it are likely to be disease-causing. For these reasons, this variant has been classified as Pathogenic.

Literature cited by the submitters: PubMed 27225848; PubMed 29054114; PubMed 31141302.

NM_024747.6(HPS6):c.595C>T (p.Gln199Ter)

Gene: HPS6 (HPS6 biogenesis of lysosomal organelles complex 2 subunit 3; plus strand). Cytogenetic location: 10q24.32.
Variant type: single nucleotide variant.
Coding change: c.595C>T on transcript NM_024747.6 (MANE Select); coding-DNA position 595, C replaced by T.
Protein change: p.Gln199Ter; replaces glutamine 199 with a stop codon.
Molecular consequence: nonsense.
Genome position (GRCh38, 1-based): chr10:102,066,069, C>T. VCF-style: chr10-102066069-C-T. GRCh37 (hg19) VCF-style: chr10-103825826-C-T.
Other names: short protein forms Q199*.
Identifiers: ClinVar variation 3664279 (VCV003664279.2).
Genomic context (GRCh38, chr10:102,066,069, plus strand): 5'-GGCCGCACACACGTCCTGCTGCACCACTGCCCTGCCTTCGGGCTGCTGGCCTCCTGCAGA[C>T]AACTCTTCCTGGTGCCCACTGCCACCACCTGGCCTGGCGTGGCCCACGTTCTACTCATCT-3'